The following is an entry in ClinVar:

ClinVar aggregate classification (germline): Uncertain significance (1 of 4 stars; one submission).

Conditions:
Isolated microphthalmia 5. Also called: Posterior Microphthalmia with Retinitis Pigmentosa, Foveoschisis, and Optic Disc Drusen. Identifiers: Orphanet 251279, MedGen C1970236, MONDO:0012605, OMIM 611040.

Allele frequency attached by ClinVar (database versions not stated): gnomAD exomes below 0.00001; TOPMed 0.00001.
gnomAD v4.1: 2 of 1,613,594 alleles (0.00012%); highest among the groups gnomAD compares: Non-Finnish European, 0.00017%; no homozygotes.

Submission:

Labcorp Genetics (formerly Invitae), Labcorp
Classification: Uncertain significance for Isolated microphthalmia 5. Last evaluated: 2020-03-17. Review status: criteria provided, single submitter. Criteria: Invitae Variant Classification Sherloc (09022015). Collection method: clinical testing. Allele origin: germline.
Comment: In summary, the available evidence is currently insufficient to determine the role of this variant in disease. Therefore, it has been classified as a Variant of Uncertain Significance. This sequence change replaces glycine with serine at codon 153 of the MFRP protein (p.Gly153Ser). The glycine residue is highly conserved and there is a small physicochemical difference between glycine and serine. This variant is not present in population databases (ExAC no frequency). This variant has not been reported in the literature in individuals with MFRP-related conditions. Algorithms developed to predict the effect of missense changes on protein structure and function (SIFT, PolyPhen-2, Align-GVGD) all suggest that this variant is likely to be disruptive, but these predictions have not been confirmed by published functional studies and their clinical significance is uncertain.

NM_031433.4(MFRP):c.457G>A (p.Gly153Ser)

Genes: C1QTNF5 (C1q and TNF related 5; minus strand), MFRP (membrane frizzled-related protein; minus strand). Cytogenetic location: 11q23.3.
Variant type: single nucleotide variant.
Coding change: c.457G>A on transcript NM_031433.4 (MANE Select); coding-DNA position 457, G replaced by A.
Protein change: p.Gly153Ser; replaces glycine 153 with serine.
Molecular consequence: missense variant. On other transcripts: 5 prime UTR variant (1).
Genome position (GRCh38, 1-based): chr11:119,345,604, C>T on the plus strand (G>A on the coding strand, the complement: MFRP is on the minus strand). VCF-style: chr11-119345604-C-T. GRCh37 (hg19) VCF-style: chr11-119216314-C-T.
Other names: c.-2180G>A (NM_015645.5); short protein forms G153S.
Identifiers: ClinVar variation 1022682 (VCV001022682.9), dbSNP rs1044008594, ClinGen allele CA229678069.